The following is an entry in ClinVar:

ClinVar aggregate classification (germline): Uncertain significance (1 of 4 stars; one submission).

Conditions:
RYR1-related disorder. Also called: RYR1-related condition; RYR1-related disorders. Identifiers: MedGen CN239331.

Allele frequency attached by ClinVar (database versions not stated): gnomAD 0.00001.
gnomAD v4.1: 1 of 1,613,136 alleles (0.000062%); highest among the groups gnomAD compares: Admixed American, 0.0017%; no homozygotes.

Submission:

Labcorp Genetics (formerly Invitae), Labcorp
Classification: Uncertain significance for RYR1-related disorder. Last evaluated: 2022-02-02. Review status: criteria provided, single submitter. Criteria: Invitae Variant Classification Sherloc (09022015). Collection method: clinical testing. Allele origin: germline.
Comment: In summary, the available evidence is currently insufficient to determine the role of this variant in disease. Therefore, it has been classified as a Variant of Uncertain Significance. Advanced modeling of protein sequence and biophysical properties (such as structural, functional, and spatial information, amino acid conservation, physicochemical variation, residue mobility, and thermodynamic stability) performed at Invitae indicates that this missense variant is not expected to disrupt RYR1 protein function. This variant has not been reported in the literature in individuals affected with RYR1-related conditions. This variant is not present in population databases (gnomAD no frequency). This sequence change replaces proline, which is neutral and non-polar, with serine, which is neutral and polar, at codon 1013 of the RYR1 protein (p.Pro1013Ser).

NM_000540.3(RYR1):c.3037C>T (p.Pro1013Ser)

Gene: RYR1 (ryanodine receptor 1; plus strand). Cytogenetic location: 19q13.2.
Variant type: single nucleotide variant.
Coding change: c.3037C>T on transcript NM_000540.3 (MANE Select); coding-DNA position 3037, C replaced by T.
Protein change: p.Pro1013Ser; replaces proline 1013 with serine.
Molecular consequence: missense variant.
Genome position (GRCh38, 1-based): chr19:38,466,257, C>T. VCF-style: chr19-38466257-C-T. GRCh37 (hg19) VCF-style: chr19-38956897-C-T.
Other names: c.3037C>T, p.Pro1013Ser (NM_001042723.2); short protein forms P1013S.
Identifiers: ClinVar variation 1351135 (VCV001351135.8), dbSNP rs1968097908, ClinGen allele CA405635210.